The following is an entry in ClinVar:

NM_002693.3(POLG):c.757G>C (p.Ala253Pro)

Gene: POLG (DNA polymerase gamma, catalytic subunit; minus strand). Cytogenetic location: 15q26.1.
Variant type: single nucleotide variant.
Coding change: c.757G>C on transcript NM_002693.3 (MANE Select); coding-DNA position 757, G replaced by C.
Protein change: p.Ala253Pro; replaces alanine 253 with proline.
Molecular consequence: missense variant.
Genome position (GRCh38, 1-based): chr15:89,330,179, C>G on the plus strand (G>C on the coding strand, the complement: POLG is on the minus strand). VCF-style: chr15-89330179-C-G. GRCh37 (hg19) VCF-style: chr15-89873410-C-G.
Other names: c.757G>C, p.Ala253Pro (NM_001126131.2); short protein forms A253P.
Identifiers: ClinVar variation 1954370 (VCV001954370.5), dbSNP rs2509265459, ClinGen allele CA393766982.

ClinVar aggregate classification (germline): Uncertain significance (1 of 4 stars; one submission).

Conditions:
Progressive sclerosing poliodystrophy (MTDPS4A). Also called: Mitochondrial DNA Depletion Syndrome 4A; ALPERS PROGRESSIVE INFANTILE POLIODYSTROPHY; NEURONAL DEGENERATION OF CHILDHOOD WITH LIVER DISEASE, PROGRESSIVE; Mitochondrial DNA depletion syndrome 4A (Alpers type); Alpers-Huttenlocher Syndrome (AHS); Alpers Syndrome. Identifiers: Orphanet 726, MedGen C0205710, MONDO:0008758, OMIM 203700.

Allele frequency attached by ClinVar (database versions not stated): gnomAD exomes below 0.00001.
gnomAD v4.1: 4 of 1,613,912 alleles (0.00025%); highest among the groups gnomAD compares: Non-Finnish European, 0.00034%; no homozygotes.

Submission:

Labcorp Genetics (formerly Invitae), Labcorp
Classification: Uncertain significance for Progressive sclerosing poliodystrophy. Last evaluated: 2022-05-07. Review status: criteria provided, single submitter. Criteria: Invitae Variant Classification Sherloc (09022015). Collection method: clinical testing. Allele origin: germline.
Comment: In summary, the available evidence is currently insufficient to determine the role of this variant in disease. Therefore, it has been classified as a Variant of Uncertain Significance. Algorithms developed to predict the effect of missense changes on protein structure and function (SIFT, PolyPhen-2, Align-GVGD) all suggest that this variant is likely to be tolerated. This variant has not been reported in the literature in individuals affected with POLG-related conditions. This variant is not present in population databases (gnomAD no frequency). This sequence change replaces alanine, which is neutral and non-polar, with proline, which is neutral and non-polar, at codon 253 of the POLG protein (p.Ala253Pro).